The following is an entry in ClinVar:

ClinVar aggregate classification (germline): Uncertain significance (1 of 4 stars; one submission).

gnomAD v4.1: 1 of 1,614,262 alleles (0.000062%); highest among the groups gnomAD compares: East Asian, 0.0022%; no homozygotes.

Submission:

Ambry Genetics
Classification: Uncertain significance. Last evaluated: 2024-10-12. Review status: criteria provided, single submitter. Criteria: Ambry Variant Classification Scheme 2023. Collection method: clinical testing. Allele origin: germline.
Comment: The p.Q1514R variant (also known as c.4541A>G), located in coding exon 4 of the ALPK2 gene, results from an A to G substitution at nucleotide position 4541. The glutamine at codon 1514 is replaced by arginine, an amino acid with highly similar properties. This amino acid position is conserved. In addition, this alteration is predicted to be tolerated by in silico analysis. Based on the available evidence, the clinical significance of this variant remains unclear.

NM_052947.4(ALPK2):c.4541A>G (p.Gln1514Arg)

Genes: ALPK2 (alpha kinase 2; minus strand), LOC126862764 (BRD4-independent group 4 enhancer GRCh37_chr18:56202574-56203773; plus strand). Cytogenetic location: 18q21.31.
Variant type: single nucleotide variant.
Coding change: c.4541A>G on transcript NM_052947.4 (MANE Select); coding-DNA position 4541, A replaced by G.
Protein change: p.Gln1514Arg; replaces glutamine 1514 with arginine.
Molecular consequence: missense variant.
Genome position (GRCh38, 1-based): chr18:58,535,646, T>C on the plus strand (A>G on the coding strand, the complement: ALPK2 is on the minus strand). VCF-style: chr18-58535646-T-C. GRCh37 (hg19) VCF-style: chr18-56202878-T-C.
Other names: short protein forms Q1514R.
Identifiers: ClinVar variation 3531702 (VCV003531702.1).